The following is an entry in ClinVar:

ClinVar aggregate classification (germline): Uncertain significance (1 of 4 stars; one submission).

Submission:

GeneDx
Classification: Uncertain significance. Last evaluated: 2018-06-21. Review status: criteria provided, single submitter. Criteria: GeneDx Variant Classification (06012015). Collection method: clinical testing. Allele origin: germline. Affected: yes.
Comment: p.Cys3Tyr (TGC>TAC): c.8 G>A in exon 1 of the LAMP2 gene (NM_002294.2). The Cys3Tyr variant in the LAMP2 gene has not been reported previously as a disease-causing mutation or as a benign polymorphism, to our knowledge. Cys3Tyr results in a semi-conservative amino acid substitution of one polar amino acid with another at a position that is not highly conserved throughout evolution. In addition, no mutations in nearby codons have been reported in association with cardiomyopathy. However, the NHLBI ESP Exome Variant Server reports Cys3Tyr was not observed in approximately 4,500 samples from individuals of European and African American backgrounds, indicating it is not a common benign variant in these populations.In summary, with the clinical and molecular information available at this time, we cannot unequivocally determine if Cys3Tyr is a disease-causing mutation or a rare benign variant. The variant is found in HCM panel(s).

NM_002294.3(LAMP2):c.8G>A (p.Cys3Tyr)

Gene: LAMP2 (lysosomal associated membrane protein 2; minus strand). Cytogenetic location: Xq24.
Variant type: single nucleotide variant.
Coding change: c.8G>A on transcript NM_002294.3 (MANE Select); coding-DNA position 8, G replaced by A.
Protein change: p.Cys3Tyr; replaces cysteine 3 with tyrosine.
Molecular consequence: missense variant.
Genome position (GRCh38, 1-based): chrX:120,469,162, C>T on the plus strand (G>A on the coding strand, the complement: LAMP2 is on the minus strand). VCF-style: chrX-120469162-C-T. GRCh37 (hg19) VCF-style: chrX-119603017-C-T.
Other names: p.C3Y:TGC>TAC; c.8G>A, p.Cys3Tyr (NM_001122606.1, NM_013995.2); short protein forms C3Y.
Identifiers: ClinVar variation 180883 (VCV000180883.2), dbSNP rs730880489, ClinGen allele CA333700.